The following is an entry in ClinVar:

ClinVar aggregate classification (germline): Uncertain significance. Review status: criteria provided, multiple submitters, no conflicts (2 of 4 stars). 2 submissions from 2 submitters: Uncertain significance (2). Last evaluated 2026-09-17.

Conditions:
BBS2-related disorder. Also called: BBS2-related condition; BBS2-related disorders. Identifiers: MedGen CN239228.
Inborn genetic diseases. Identifiers: MedGen C0950123, MeSH D030342.

Submissions (2):

PreventionGenetics, part of Exact Sciences
Classification: Uncertain significance for BBS2-related condition. Last evaluated: 2026-09-17. Review status: criteria provided, single submitter. Criteria: ACMG Guidelines, 2015. Collection method: clinical testing. Allele origin: germline.
Comment: The BBS2 c.1436C>T variant is predicted to result in the amino acid substitution p.Pro479Leu. To our knowledge, this variant has not been reported in the literature. This variant is reported in 0.023% of alleles in individuals of African descent in gnomAD. At this time, the clinical significance of this variant is uncertain due to the absence of conclusive functional and genetic evidence.

Ambry Genetics
Classification: Uncertain significance for Inborn genetic diseases. Last evaluated: 2025-08-25. Review status: criteria provided, single submitter. Criteria: Ambry Variant Classification Scheme 2023. Collection method: clinical testing. Allele origin: germline.

NM_031885.5(BBS2):c.1436C>T (p.Pro479Leu)

Gene: BBS2 (Bardet-Biedl syndrome 2; minus strand). Cytogenetic location: 16q13.
Variant type: single nucleotide variant.
Coding change: c.1436C>T on transcript NM_031885.5 (MANE Select); coding-DNA position 1436, C replaced by T.
Protein change: p.Pro479Leu; replaces proline 479 with leucine.
Molecular consequence: missense variant. On other transcripts: non-coding transcript variant (5).
Genome position (GRCh38, 1-based): chr16:56,499,869, G>A on the plus strand (C>T on the coding strand, the complement: BBS2 is on the minus strand). VCF-style: chr16-56499869-G-A. GRCh37 (hg19) VCF-style: chr16-56533781-G-A.
Other names: c.1436C>T, p.Pro479Leu (NM_001377456.1); short protein forms P479L.
Identifiers: ClinVar variation 4198740 (VCV004198740.2).